The following is an entry in ClinVar:

NM_004646.4(NPHS1):c.1768dup (p.Val590fs)

Gene: NPHS1 (NPHS1 adhesion molecule, nephrin; minus strand). Cytogenetic location: 19q13.12.
Variant type: Duplication.
Coding change: c.1768dup on transcript NM_004646.4 (MANE Select); coding-DNA position 1768, one base duplicated (G; older notation c.1768dupG).
Protein change: p.Val590fs; shifts the reading frame from valine 590.
Molecular consequence: frameshift variant.
Genome position (GRCh38, 1-based): chr19:35,845,530, C duplicated on the plus strand (G on the coding strand, the reverse complement: NPHS1 is on the minus strand). VCF-style (leftmost placement, unchanged base first): chr19-35845529-A-AC. GRCh37 (hg19) VCF-style: chr19-36336431-A-AC.
Other names: short protein forms V590fs.
Identifiers: ClinVar variation 5011820 (VCV005011820.1).

ClinVar aggregate classification (germline): Pathogenic (1 of 4 stars; one submission).

Conditions:
Finnish congenital nephrotic syndrome (NPHS1). Also called: NEPHROTIC SYNDROME, TYPE 1. Identifiers: Orphanet 839, MedGen C0403399, MONDO:0009732, OMIM 256300.

Submission:

Myriad Genetics, Inc.
Classification: Pathogenic for Finnish congenital nephrotic syndrome. Last evaluated: 2023-09-27. Review status: criteria provided, single submitter. Criteria: Myriad Autosomal Dominant, Autosomal Recessive and X-Linked Classification Criteria (2023). Collection method: clinical testing. Allele origin: unknown.
Comment: NM_004646.3(NPHS1):c.1768dupG(V590Gfs*84) is expected to be pathogenic in the context of nephrotic syndrome, NPHS1-related. This variant is predicted to lead to an abnormal or absent protein product due to the creation of a premature termination codon in NPHS1, a gene where loss-of-function variants are known to be pathogenic. Please note: this variant was assessed in the context of healthy population screening.